The following is an entry in ClinVar:

ClinVar aggregate classification (germline): Benign. Review status: criteria provided, multiple submitters, no conflicts (2 of 4 stars). 9 submissions from 9 submitters: Benign (8). 1 of the submissions does not count toward it. Last evaluated 2026-02-04.

Conditions:
Charcot-Marie-Tooth disease type 4. Also called: Charcot-Marie-Tooth disease, type IV; Charcot-Marie-Tooth, Type 4. Identifiers: Orphanet 64749, MedGen C4082197, MONDO:0018995.
Charcot-Marie-Tooth disease. Also called: Charcot-Marie-Tooth Hereditary Neuropathy; Charcot-Marie-Tooth Neuropathy. Identifiers: Orphanet 166, MedGen C0007959, MONDO:0015626.
Charcot-Marie-Tooth disease type 4D. Also called: CHARCOT-MARIE-TOOTH DISEASE, DEMYELINATING, TYPE 4D; CHARCOT-MARIE-TOOTH DISEASE, DEMYELINATING, AUTOSOMAL RECESSIVE, TYPE 4D; Charcot-Marie-Tooth Neuropathy Type 4D; NEUROPATHY, HEREDITARY MOTOR AND SENSORY, LOM TYPE. Identifiers: Orphanet 99950, MedGen C1832334, MONDO:0011085, OMIM 601455.

Allele frequency attached by ClinVar (database versions not stated): ESP Exome Variant Server 0.04767; TOPMed 0.05766; gnomAD 0.06123 and 0.06546; gnomAD exomes 0.07619 and 0.09471; 1000 Genomes Project 30x 0.08729; ExAC 0.09043; 1000 Genomes Project 0.09265.
gnomAD v4.1: 121,278 of 1,613,938 alleles (7.5%); highest among the groups gnomAD compares: East Asian, 28%; 6,378 homozygotes.

Submissions (9):

Labcorp Genetics (formerly Invitae), Labcorp
Classification: Benign for Charcot-Marie-Tooth disease type 4. Last evaluated: 2026-02-04. Review status: criteria provided, single submitter. Criteria: Invitae Variant Classification Sherloc (09022015). Collection method: clinical testing. Allele origin: germline.

Mayo Clinic Laboratories, Mayo Clinic
Classification: Benign. Last evaluated: 2022-11-10. Review status: criteria provided, single submitter. Criteria: ACMG Guidelines, 2015. Collection method: clinical testing. Allele origin: germline. Observed: 264 variant alleles.

Genome-Nilou Lab
Classification: Benign for Charcot-Marie-Tooth disease type 4D. Last evaluated: 2021-07-10. Review status: criteria provided, single submitter. Criteria: ACMG Guidelines, 2015. Collection method: clinical testing. Allele origin: germline. Affected: no.

Illumina Laboratory Services, Illumina
Classification: Benign for Charcot-Marie-Tooth disease type 4D. Last evaluated: 2018-01-13. Review status: criteria provided, single submitter. Criteria: ICSL Variant Classification Criteria 13 December 2019. Collection method: clinical testing. Allele origin: germline.
Comment: This variant was observed in the ICSL laboratory as part of a predisposition screen in an ostensibly healthy population. It had not been previously curated by ICSL or reported in the Human Gene Mutation Database (HGMD: prior to June 1st, 2018), and was therefore a candidate for classification through an automated scoring system. Utilizing variant allele frequency, disease prevalence and penetrance estimates, and inheritance mode, an automated score was calculated to assess if this variant is too frequent to cause the disease. Based on the score and internal cut-off values, a variant classified as benign is not then subjected to further curation. The score for this variant resulted in a classification of benign for this disease.

Athena Diagnostics
Classification: Benign. Last evaluated: 2017-07-12. Review status: criteria provided, single submitter. Criteria: Athena Diagnostics Criteria. Collection method: clinical testing. Allele origin: germline.

GeneDx
Classification: Benign. Last evaluated: 2014-02-28. Review status: criteria provided, single submitter. Criteria: GeneDx Variant Classification (06012015). Collection method: clinical testing. Allele origin: germline. Affected: yes.
Comment: This variant is considered likely benign or benign based on one or more of the following criteria: it is a conservative change, it occurs at a poorly conserved position in the protein, it is predicted to be benign by multiple in silico algorithms, and/or has population frequency not consistent with disease.

Breakthrough Genomics
Classification: Benign. Review status: criteria provided, single submitter. Criteria: ACMG Guidelines, 2015. Collection method: not provided. Allele origin: germline. Inheritance: Autosomal recessive inheritance. Affected: yes.

Molecular Genetics Laboratory, London Health Sciences Centre
Classification: Benign for Charcot-Marie-Tooth disease. Review status: criteria provided, single submitter. Criteria: ACMG Guidelines, 2015. Collection method: clinical testing. Allele origin: germline. Affected: yes.

Natera, Inc.
Classification: Benign for Charcot-Marie-Tooth disease type 4. Last evaluated: 2020-09-16. Review status: no assertion criteria provided. Collection method: clinical testing. Allele origin: germline. Not counted in ClinVar's aggregate classification.

NM_006096.4(NDRG1):c.755+10T>C

Genes: NDRG1 (N-myc downstream regulated 1; minus strand), LOC126860531 (CDK7 strongly-dependent group 2 enhancer GRCh37_chr8:134259869-134261068; plus strand). Cytogenetic location: 8q24.22.
Variant type: single nucleotide variant.
Coding change: c.755+10T>C on transcript NM_006096.4 (MANE Select); 10 bases into the intron after coding-DNA position 755, T replaced by C.
Molecular consequence: intron variant.
Genome position (GRCh38, 1-based): chr8:133,248,705, A>G on the plus strand (T>C on the coding strand, the complement: NDRG1 is on the minus strand). VCF-style: chr8-133248705-A-G. GRCh37 (hg19) VCF-style: chr8-134260948-A-G.
Other names: p.?; c.557+10T>C (NM_001258432.2, NM_001374847.1); c.512+10T>C (NM_001258433.2); c.806+10T>C (NM_001374844.1); c.755+10T>C (NM_001135242.2, NM_001374845.1, NM_001374846.1).
Identifiers: ClinVar variation 138433 (VCV000138433.22), dbSNP rs2233336, ClinGen allele CA292416.